The following is an entry in ClinVar:

NM_005359.6(SMAD4):c.1333C>T (p.Arg445Ter)

Gene: SMAD4 (SMAD family member 4; plus strand). Cytogenetic location: 18q21.2.
Variant type: single nucleotide variant.
Coding change: c.1333C>T on transcript NM_005359.6 (MANE Select); coding-DNA position 1333, C replaced by T.
Protein change: p.Arg445Ter; replaces arginine 445 with a stop codon.
Molecular consequence: nonsense.
Genome position (GRCh38, 1-based): chr18:51,076,662, C>T. VCF-style: chr18-51076662-C-T. GRCh37 (hg19) VCF-style: chr18-48603032-C-T.
Other names: short protein forms R445*.
Identifiers: ClinVar variation 24850 (VCV000024850.31), dbSNP rs377767360, ClinGen allele CA189448.

ClinVar aggregate classification (germline): Pathogenic. Review status: criteria provided, multiple submitters, no conflicts (2 of 4 stars). 8 submissions from 8 submitters: Pathogenic (6). 2 of the submissions do not count toward it. Last evaluated 2025-08-14.
ClinVar aggregate classification (oncogenicity): Oncogenic (1 of 4 stars; one submission).

Conditions:
Juvenile polyposis syndrome (JPS). Identifiers: Orphanet 2929, MedGen C0345893, MONDO:0017380, OMIM 174900.
Gallbladder cancer. Identifiers: MedGen C0153452, MONDO:0005411.
Hereditary cancer-predisposing syndrome. Also called: Neoplastic Syndromes, Hereditary; Tumor predisposition; Hereditary Cancer Syndrome; Hereditary neoplastic syndrome. Identifiers: Orphanet 140162, MedGen C0027672, MeSH D009386, MONDO:0015356.
Familial thoracic aortic aneurysm and aortic dissection (TAAD). Also called: Thoracic aortic aneurysms and dissections. Identifiers: Orphanet 91387, MedGen C4707243, MONDO:0019625.
Juvenile polyposis/hereditary hemorrhagic telangiectasia syndrome (JPHT). Also called: POLYPOSIS, GENERALIZED JUVENILE, WITH PULMONARY ARTERIOVENOUS MALFORMATION; Juvenile Polyposis Syndrome / Hereditary Hemorrhagic Telangiectasia (JPS/HHT); TELANGIECTASIA, HEREDITARY HEMORRHAGIC, WITH JUVENILE POLYPOSIS COLI; JP/HHT SYNDROME; JUVENILE POLYPOSIS WITH HEREDITARY HEMORRHAGIC TELANGIECTASIA. Identifiers: Orphanet 2929, MedGen C1832942, MONDO:0008278, OMIM 175050.
Neoplasm. Also called: Neoplasms; Neoplasm (disease); tumor. Identifiers: MedGen C0027651, MeSH D009369, MONDO:0005070, HP:0002664.

Allele frequency attached by ClinVar (database versions not stated): gnomAD exomes below 0.00001; ExAC 0.00001.
gnomAD v4.1: 1 of 1,613,874 alleles (0.000062%); highest among the groups gnomAD compares: Non-Finnish European, 0.000085%; no homozygotes.

Submissions (9):

Labcorp Genetics (formerly Invitae), Labcorp
Classification: Pathogenic for Juvenile polyposis syndrome. Last evaluated: 2025-08-14. Review status: criteria provided, single submitter. Criteria: Invitae Variant Classification Sherloc (09022015). Collection method: clinical testing. Allele origin: germline.
Comment: This sequence change creates a premature translational stop signal (p.Arg445*) in the SMAD4 gene. It is expected to result in an absent or disrupted protein product. Loss-of-function variants in SMAD4 are known to be pathogenic (PMID: 16152648, 16436638, 22810475). This variant is present in population databases (rs377767360, gnomAD 0.0009%). This premature translational stop signal has been observed in individual(s) with juvenile polyposis syndrome (PMID: 10764709, 16152648, 21465659). Invitae Evidence Modeling of clinical and family history, age, sex, and reported ancestry of multiple individuals with this SMAD4 variant has been performed. This variant is expected to be pathogenic with a positive predictive value of at least 99%. This is a validated machine learning model that incorporates the clinical features of 35,205 individuals referred to our laboratory for SMAD4 testing. ClinVar contains an entry for this variant (Variation ID: 24850). For these reasons, this variant has been classified as Pathogenic.

CeGaT Center for Human Genetics Tuebingen
Classification: Pathogenic. Last evaluated: 2025-05-01. Review status: criteria provided, single submitter. Criteria: CeGaT Center For Human Genetics Tuebingen Variant Classification Criteria Version 2. Collection method: clinical testing. Allele origin: germline. Affected: yes. Observed: 1 variant allele.
Comment: SMAD4: PVS1, PM2, PS4:Supporting

Center for Genomic Medicine, Rigshospitalet, Copenhagen University Hospital
Classification: Oncogenic for Neoplasm. Last evaluated: 2025-03-04. Review status: criteria provided, single submitter. Criteria: ClinGen/CGC/VICC Guidelines for Oncogenicity, 2022. Collection method: clinical testing. Allele origin: somatic. Affected: yes.

Quest Diagnostics Nichols Institute San Juan Capistrano
Classification: Pathogenic. Last evaluated: 2024-03-27. Review status: criteria provided, single submitter. Criteria: Quest Diagnostics criteria. Collection method: clinical testing. Allele origin: unknown.
Comment: The SMAD4 c.1333C>T (p.Arg445*) variant causes the premature termination of SMAD4 protein synthesis. This variant has been reported in the published literature in individuals with juvenile polyposis syndrome (JPS) (PMID: 25931195 (2015), 21465659 (2011), 16152648 (2005), 10764709 (2000)), colorectal cancer (PMID: 37319387 (2023)), and oligoastrocytoma (PMID: 36451132 (2022)). This variant has also been shown to abrogate protein expression (PMID: 32719554 (2020)). The frequency of this variant in the general population, 0.000004 (1/251272 chromosomes (Genome Aggregation Database)), is consistent with pathogenicity. Based on the available information, this variant is classified as pathogenic.

Myriad Genetics, Inc.
Classification: Pathogenic for Juvenile polyposis/hereditary hemorrhagic telangiectasia syndrome. Last evaluated: 2024-02-09. Review status: criteria provided, single submitter. Criteria: Myriad Autosomal Dominant, Autosomal Recessive and X-Linked Classification Criteria (2023). Collection method: clinical testing. Allele origin: unknown.
Comment: This variant is considered pathogenic. This variant creates a termination codon and is predicted to result in premature protein truncation.

Ambry Genetics
Classification: Pathogenic for Hereditary cancer-predisposing syndrome; Familial thoracic aortic aneurysm and aortic dissection. Last evaluated: 2021-08-27. Review status: criteria provided, single submitter. Criteria: Ambry Variant Classification Scheme 2023. Collection method: clinical testing. Allele origin: germline.
Comment: The p.R445* pathogenic mutation (also known as c.1333C>T), located in coding exon 10 of the SMAD4 gene, results from a C to T substitution at nucleotide position 1333. This changes the amino acid from an arginine to a stop codon within coding exon 10. This mutation has been identified in multiple individuals with Juvenile Polyposis Syndrome (JPS) (Woodford-Richens K et al. Gut. 2000 May;46:656-60; Heald B et al. Am. J. Med. Genet. A. 2015 Aug;167A:1758-62; Handra-Luca A et al. Am. J. Med. Genet. A. 2005 Oct;138A:113-7). This mutation has also been reported in a patient with lower grade glioma from a cohort of 4034 cancer cases from The Cancer Genome Atlas (Lu C et al. Nat Commun, 2015 Dec;6:10086). Of note, this alteration is also designated as c.1363C>T in published literature. In addition to the clinical data presented in the literature, this alteration is expected to result in loss of function by premature protein truncation or nonsense-mediated mRNA decay. As such, this alteration is interpreted as a disease-causing mutation.

GeneDx
Classification: Pathogenic. Last evaluated: 2018-04-10. Review status: criteria provided, single submitter. Criteria: GeneDx Variant Classification (06012015). Collection method: clinical testing. Allele origin: germline. Affected: yes.
Comment: This variant is denoted SMAD4 c.1333C>T at the cDNA level and p.Arg445Ter (R445X) at the protein level. The substitution creates a nonsense variant, which changes an Arginine to a premature stop codon (CGA>TGA), and is predicted to cause loss of normal protein function through either protein truncation or nonsense-mediated mRNA decay. This variant has been reported in association with juvenile polyposis syndrome (Woodford-Richens 2000, Handra-Luca 2005, Andrabi 2011) and is considered pathogenic.

Institute of Medical Sciences, Banaras Hindu University
Classification: Pathogenic for Gallbladder cancer. Last evaluated: 2020-10-30. Review status: no assertion criteria provided. Collection method: research. Allele origin: somatic. Affected: yes. Not counted in ClinVar's aggregate classification.

OMIM
Classification: Pathogenic for JUVENILE POLYPOSIS/HEREDITARY HEMORRHAGIC TELANGIECTASIA SYNDROME. Last evaluated: 2011-05-01. Review status: no assertion criteria provided. Collection method: literature only. Allele origin: germline. Not counted in ClinVar's aggregate classification.

Literature cited by the submitters: PubMed 16152648 (cited by 3 submitters); PubMed 16436638 (cited by Labcorp Genetics (formerly Invitae), Labcorp); PubMed 22810475 (cited by Labcorp Genetics (formerly Invitae), Labcorp); PubMed 10764709 (cited by 3 submitters); PubMed 21465659 (cited by 4 submitters); PubMed 11553622 (cited by Center for Genomic Medicine, Rigshospitalet, Copenhagen University Hospital); PubMed 26689913 (cited by Quest Diagnostics Nichols Institute San Juan Capistrano); PubMed 25931195 (cited by Quest Diagnostics Nichols Institute San Juan Capistrano); PubMed 23239472 (cited by Quest Diagnostics Nichols Institute San Juan Capistrano); PubMed 10479724 (cited by Quest Diagnostics Nichols Institute San Juan Capistrano); PubMed 36451132 (cited by Quest Diagnostics Nichols Institute San Juan Capistrano); PubMed 35982159 (cited by Quest Diagnostics Nichols Institute San Juan Capistrano); PubMed 36158166 (cited by Quest Diagnostics Nichols Institute San Juan Capistrano); PubMed 34393517 (cited by Quest Diagnostics Nichols Institute San Juan Capistrano); PubMed 31949278 (cited by Quest Diagnostics Nichols Institute San Juan Capistrano); PubMed 32719554 (cited by Quest Diagnostics Nichols Institute San Juan Capistrano); PubMed 32561076 (cited by Quest Diagnostics Nichols Institute San Juan Capistrano); PubMed 30851333 (cited by Quest Diagnostics Nichols Institute San Juan Capistrano); PubMed 37319387 (cited by Quest Diagnostics Nichols Institute San Juan Capistrano).